The following is an entry in ClinVar:

ClinVar aggregate classification (germline): Benign/Likely benign. Review status: criteria provided, multiple submitters, no conflicts (2 of 4 stars). 2 submissions from 2 submitters: Benign (1); Likely benign (1). Last evaluated 2018-01-12.

Conditions:
Hypohidrotic ectodermal dysplasia (HED). Identifiers: Orphanet 238468, MedGen C5848103, MONDO:0016535, HP:0007607.

Allele frequency attached by ClinVar (database versions not stated): gnomAD exomes 0.04545; gnomAD 0.08930 and 0.08815; 1000 Genomes Project 30x 0.11087; 1000 Genomes Project 0.10923; TOPMed 0.09237.
gnomAD v4.1: 13,530 of 152,250 alleles (8.9%); highest among the groups gnomAD compares: African/African-American, 16%; 828 homozygotes.

Submissions (2):

Illumina Laboratory Services, Illumina
Classification: Benign for Hypohidrotic ectodermal dysplasia. Last evaluated: 2018-01-12. Review status: criteria provided, single submitter. Criteria: ICSL Variant Classification Criteria 13 December 2019. Collection method: clinical testing. Allele origin: germline.
Comment: This variant was observed in the ICSL laboratory as part of a predisposition screen in an ostensibly healthy population. It had not been previously curated by ICSL or reported in the Human Gene Mutation Database (HGMD: prior to June 1st, 2018), and was therefore a candidate for classification through an automated scoring system. Utilizing variant allele frequency, disease prevalence and penetrance estimates, and inheritance mode, an automated score was calculated to assess if this variant is too frequent to cause the disease. Based on the score and internal cut-off values, a variant classified as benign is not then subjected to further curation. The score for this variant resulted in a classification of benign for this disease.

Breakthrough Genomics
Classification: Likely benign. Review status: criteria provided, single submitter. Criteria: ACMG Guidelines, 2015. Collection method: not provided. Allele origin: germline. Inheritance: Autosomal recessive inheritance. Affected: yes.

NM_022336.4(EDAR):c.*757T>C

Genes: EDAR (ectodysplasin A receptor; minus strand), RANBP2 (RAN binding protein 2; plus strand). Cytogenetic location: 2q13.
Variant type: single nucleotide variant.
Coding change: c.*757T>C on transcript NM_022336.4 (MANE Select); 757 bases downstream of the stop codon, T replaced by C.
Molecular consequence: 3 prime UTR variant.
Genome position (GRCh38, 1-based): chr2:108,896,150, A>G on the plus strand (T>C on the coding strand, the complement: EDAR is on the minus strand). VCF-style: chr2-108896150-A-G. GRCh37 (hg19) VCF-style: chr2-109512606-A-G.
Identifiers: ClinVar variation 330699 (VCV000330699.7), dbSNP rs3749097, ClinGen allele CA10611763.